The following is an entry in ClinVar:

ClinVar aggregate classification (germline): Uncertain significance (1 of 4 stars; one submission).

gnomAD v4.1: 22 of 1,613,640 alleles (0.0014%); highest among the groups gnomAD compares: South Asian, 0.021%; no homozygotes.

Submission:

Labcorp Genetics (formerly Invitae), Labcorp
Classification: Uncertain significance. Last evaluated: 2024-08-09. Review status: criteria provided, single submitter. Criteria: Invitae Variant Classification Sherloc (09022015). Collection method: clinical testing. Allele origin: germline.
Comment: This sequence change falls in intron 10 of the DGAT1 gene. It does not directly change the encoded amino acid sequence of the DGAT1 protein. It affects a nucleotide within the consensus splice site. This variant is present in population databases (rs782369461, gnomAD 0.01%). This variant has not been reported in the literature in individuals affected with DGAT1-related conditions. Variants that disrupt the consensus splice site are a relatively common cause of aberrant splicing (PMID: 17576681, 9536098). Algorithms developed to predict the effect of sequence changes on RNA splicing suggest that this variant is not likely to affect RNA splicing. In summary, the available evidence is currently insufficient to determine the role of this variant in disease. Therefore, it has been classified as a Variant of Uncertain Significance.

Literature cited by the submitters: PubMed 17576681; PubMed 9536098.

NM_012079.6(DGAT1):c.895-3C>T

Gene: DGAT1 (diacylglycerol O-acyltransferase 1; minus strand). Cytogenetic location: 8q24.3.
Variant type: single nucleotide variant.
Coding change: c.895-3C>T on transcript NM_012079.6 (MANE Select); 3 bases into the intron before coding-DNA position 895, C replaced by T.
Molecular consequence: intron variant.
Genome position (GRCh38, 1-based): chr8:144,317,715, G>A on the plus strand (C>T on the coding strand, the complement: DGAT1 is on the minus strand). VCF-style: chr8-144317715-G-A. GRCh37 (hg19) VCF-style: chr8-145541378-G-A.
Identifiers: ClinVar variation 3630556 (VCV003630556.2).